The following is an entry in ClinVar:

NM_004415.4(DSP):c.7019A>G (p.Asn2340Ser)

Gene: DSP (desmoplakin; plus strand). Cytogenetic location: 6p24.3.
Variant type: single nucleotide variant.
Coding change: c.7019A>G on transcript NM_004415.4 (MANE Select); coding-DNA position 7019, A replaced by G.
Protein change: p.Asn2340Ser; replaces asparagine 2340 with serine.
Molecular consequence: missense variant.
Genome position (GRCh38, 1-based): chr6:7,584,281, A>G. VCF-style: chr6-7584281-A-G. GRCh37 (hg19) VCF-style: chr6-7584514-A-G.
Other names: c.5222A>G, p.Asn1741Ser (NM_001008844.3); c.5690A>G, p.Asn1897Ser (NM_001319034.2); short protein forms N2340S, N1741S, N1897S.
Identifiers: ClinVar variation 1756699 (VCV001756699.2), dbSNP rs1759555611, ClinGen allele CA362692053.

ClinVar aggregate classification (germline): Uncertain significance (1 of 4 stars; one submission).

Conditions:
Cardiovascular phenotype. Identifiers: MedGen CN230736.

Submission:

Ambry Genetics
Classification: Uncertain significance for Cardiovascular phenotype. Last evaluated: 2021-03-25. Review status: criteria provided, single submitter. Criteria: Ambry Variant Classification Scheme 2023. Collection method: clinical testing. Allele origin: germline.
Comment: The p.N2340S variant (also known as c.7019A>G), located in coding exon 24 of the DSP gene, results from an A to G substitution at nucleotide position 7019. The asparagine at codon 2340 is replaced by serine, an amino acid with highly similar properties. This amino acid position is not well conserved in available vertebrate species. In addition, this alteration is predicted to be tolerated by in silico analysis. Since supporting evidence is limited at this time, the clinical significance of this alteration remains unclear.